The following is an entry in ClinVar:

NM_000539.3(RHO):c.458C>A (p.Ala153Asp)

Gene: RHO (rhodopsin; plus strand). Cytogenetic location: 3q22.1.
Variant type: single nucleotide variant.
Coding change: c.458C>A on transcript NM_000539.3 (MANE Select); coding-DNA position 458, C replaced by A.
Protein change: p.Ala153Asp; replaces alanine 153 with aspartic acid.
Molecular consequence: missense variant.
Genome position (GRCh38, 1-based): chr3:129,530,972, C>A. VCF-style: chr3-129530972-C-A. GRCh37 (hg19) VCF-style: chr3-129249815-C-A.
Other names: short protein forms A153D.
Identifiers: ClinVar variation 1007101 (VCV001007101.9), dbSNP rs1418964117, ClinGen allele CA354498362.

ClinVar aggregate classification (germline): Uncertain significance. Review status: criteria provided, multiple submitters, no conflicts (2 of 4 stars). 2 submissions from 2 submitters: Uncertain significance (2). Last evaluated 2021-07-23.

Submissions (2):

Blueprint Genetics
Classification: Uncertain significance. Last evaluated: 2021-07-23. Review status: criteria provided, single submitter. Criteria: ACMG Guidelines, 2015. Collection method: clinical testing. Allele origin: germline.

Labcorp Genetics (formerly Invitae), Labcorp
Classification: Uncertain significance. Last evaluated: 2020-05-20. Review status: criteria provided, single submitter. Criteria: Invitae Variant Classification Sherloc (09022015). Collection method: clinical testing. Allele origin: germline.
Comment: This sequence change replaces alanine with aspartic acid at codon 153 of the RHO protein (p.Ala153Asp). The alanine residue is highly conserved and there is a moderate physicochemical difference between alanine and aspartic acid. This variant is not present in population databases (ExAC no frequency). This variant has not been reported in the literature in individuals with RHO-related conditions. Algorithms developed to predict the effect of missense changes on protein structure and function (SIFT, PolyPhen-2, Align-GVGD) all suggest that this variant is likely to be disruptive, but these predictions have not been confirmed by published functional studies and their clinical significance is uncertain. In summary, the available evidence is currently insufficient to determine the role of this variant in disease. Therefore, it has been classified as a Variant of Uncertain Significance.